The following is an entry in ClinVar:

ClinVar aggregate classification (germline): Pathogenic (1 of 4 stars; one submission).

Conditions:
Curry-Hall syndrome (WAD). Also called: WEYERS ACRODENTAL DYSOSTOSIS. Identifiers: Orphanet 952, MedGen C0457013, MONDO:0008673, OMIM 193530.
Ellis-van Creveld syndrome (EVC). Also called: Chondroectodermal dysplasia; MESOECTODERMAL DYSPLASIA; EVC-Related Ellis-van Creveld Syndrome; EVC2-Related Ellis-van Creveld Syndrome. Identifiers: Orphanet 289, MedGen C0013903, MONDO:0009162, OMIM 225500.

gnomAD v4.1: 2 of 1,614,034 alleles (0.00012%); highest among the groups gnomAD compares: African/African-American, 0.0013%; no homozygotes.

Submission:

Labcorp Genetics (formerly Invitae), Labcorp
Classification: Pathogenic for Curry-Hall syndrome; Ellis-van Creveld syndrome. Last evaluated: 2023-02-16. Review status: criteria provided, single submitter. Criteria: Invitae Variant Classification Sherloc (09022015). Collection method: clinical testing. Allele origin: germline.
Comment: ClinVar contains an entry for this variant (Variation ID: 1073032). For these reasons, this variant has been classified as Pathogenic. This variant has not been reported in the literature in individuals affected with EVC-related conditions. This variant is not present in population databases (gnomAD no frequency). This sequence change creates a premature translational stop signal (p.Glu410*) in the EVC gene. It is expected to result in an absent or disrupted protein product. Loss-of-function variants in EVC are known to be pathogenic (PMID: 23220543).

Literature cited by the submitters: PubMed 23220543.

NM_153717.3(EVC):c.1228G>T (p.Glu410Ter)

Gene: EVC (EvC ciliary complex subunit 1; plus strand). Cytogenetic location: 4p16.2.
Variant type: single nucleotide variant.
Coding change: c.1228G>T on transcript NM_153717.3 (MANE Select); coding-DNA position 1228, G replaced by T.
Protein change: p.Glu410Ter; replaces glutamic acid 410 with a stop codon.
Molecular consequence: nonsense.
Genome position (GRCh38, 1-based): chr4:5,752,965, G>T. VCF-style: chr4-5752965-G-T. GRCh37 (hg19) VCF-style: chr4-5754692-G-T.
Other names: c.1228G>T, p.Glu410Ter (NM_001306090.2, NM_001306092.2); short protein forms E410*.
Identifiers: ClinVar variation 1073032 (VCV001073032.8), dbSNP rs2152076522, ClinGen allele CA356153804.